The following is an entry in ClinVar:

ClinVar aggregate classification (germline): Conflicting classifications of pathogenicity. Review status: criteria provided, conflicting classifications (1 of 4 stars). 3 submissions from 3 submitters: Uncertain significance (2); Likely benign (1). Last evaluated 2021-10-14.

Conditions:
EPILEPSY, CHILDHOOD ABSENCE, SUSCEPTIBILITY TO, 2 (ECA2). Identifiers: Orphanet 64280, MedGen C1843244, OMIM 607681.
Febrile seizures, familial, 8 (FEB8). Also called: CONVULSIONS, FAMILIAL FEBRILE, 8. Identifiers: Orphanet 36387, MedGen C1969810, MONDO:0011891, OMIM 607681.

gnomAD v4.1: 3 of 1,590,752 alleles (0.00019%); highest among the groups gnomAD compares: Middle Eastern, 0.05%; no homozygotes.

Submissions (3):

Labcorp Genetics (formerly Invitae), Labcorp
Classification: Uncertain significance for Febrile seizures, familial, 8; EPILEPSY, CHILDHOOD ABSENCE, SUSCEPTIBILITY TO, 2. Last evaluated: 2021-10-14. Review status: criteria provided, single submitter. Criteria: Invitae Variant Classification Sherloc (09022015). Collection method: clinical testing. Allele origin: germline.
Comment: In summary, the available evidence is currently insufficient to determine the role of this variant in disease. Therefore, it has been classified as a Variant of Uncertain Significance. Variants that disrupt the consensus splice site are a relatively common cause of aberrant splicing (PMID: 17576681, 9536098). Algorithms developed to predict the effect of sequence changes on RNA splicing suggest that this variant may create or strengthen a splice site. ClinVar contains an entry for this variant (Variation ID: 252809). This variant has been observed in at least one individual who was not affected with GABRG2-related conditions (Invitae). This variant has not been reported in the literature in individuals affected with GABRG2-related conditions. This variant is not present in population databases (ExAC no frequency). This sequence change falls in intron 1 of the GABRG2 gene. It does not directly change the encoded amino acid sequence of the GABRG2 protein. It affects a nucleotide within the consensus splice site of the intron.

Genomic Diagnostic Laboratory, Division of Genomic Diagnostics, Children's Hospital of Philadelphia
Classification: Uncertain significance. Last evaluated: 2015-09-02. Review status: criteria provided, single submitter. Criteria: DGD Variant Analysis Guidelines. Collection method: clinical testing. Allele origin: unknown.

GeneDx
Classification: Likely benign. Last evaluated: 2015-08-21. Review status: criteria provided, single submitter. Criteria: GeneDx Variant Classification (06012015). Collection method: clinical testing. Allele origin: germline. Affected: yes.
Comment: This variant is considered likely benign or benign based on one or more of the following criteria: it is a conservative change, it occurs at a poorly conserved position in the protein, it is predicted to be benign by multiple in silico algorithms, and/or has population frequency not consistent with disease.

Literature cited by the submitters: PubMed 17576681 (cited by Labcorp Genetics (formerly Invitae), Labcorp); PubMed 9536098 (cited by Labcorp Genetics (formerly Invitae), Labcorp).

NM_198904.4(GABRG2):c.107+6A>G

Gene: GABRG2 (gamma-aminobutyric acid type A receptor subunit gamma2; plus strand). Cytogenetic location: 5q34.
Variant type: single nucleotide variant.
Coding change: c.107+6A>G on transcript NM_198904.4 (MANE Select); 6 bases into the intron after coding-DNA position 107, A replaced by G.
Molecular consequence: intron variant.
Genome position (GRCh38, 1-based): chr5:162,068,112, A>G. VCF-style: chr5-162068112-A-G. GRCh37 (hg19) VCF-style: chr5-161495118-A-G.
Other names: c.107+6A>G (NM_000816.3, NM_001375343.1, NM_001375344.1 and 5 more transcripts); c.-300+6A>G (NM_001375349.1); c.-252+6A>G (NM_001375350.1, NM_001375348.1); c.41+6A>G (NM_001375346.1, NM_001375345.1); c.20+471A>G (NM_001375347.1).
Identifiers: ClinVar variation 252809 (VCV000252809.9), dbSNP rs868452487, ClinGen allele CA10585987.